The following is an entry in ClinVar:

NM_152618.3(BBS12):c.2092_2093del (p.Gln698fs)

Gene: BBS12 (Bardet-Biedl syndrome 12; plus strand). Cytogenetic location: 4q27.
Variant type: Microsatellite.
Coding change: c.2092_2093del on transcript NM_152618.3 (MANE Select); coding-DNA positions 2092 to 2093, 2 bases deleted (CA; older notation c.2092_2093delCA).
Protein change: p.Gln698fs; shifts the reading frame from glutamine 698.
Molecular consequence: frameshift variant.
Genome position (GRCh38, 1-based): chr4:122,743,984-122,743,985, CA deleted; deleting any 2 consecutive bases within chr4:122,743,977-122,743,985 gives the same sequence; the c. name uses the placement nearest the transcript's 3' end. VCF-style (leftmost placement, unchanged base first): chr4-122743976-GAC-G. GRCh37 (hg19) VCF-style: chr4-123665131-GAC-G.
Other names: c.2092_2093del, p.Gln698fs (NM_001178007.2); short protein forms Q698fs.
Identifiers: ClinVar variation 1910974 (VCV001910974.6), dbSNP rs2485078970, ClinGen allele CA2580616770.

ClinVar aggregate classification (germline): Pathogenic. Review status: criteria provided, multiple submitters, no conflicts (2 of 4 stars). 2 submissions from 2 submitters: Pathogenic (2). Last evaluated 2026-01-28.

Conditions:
Bardet-Biedl syndrome 12 (BBS12). Identifiers: Orphanet 110, MedGen C1859570, MONDO:0014440, OMIM 615989.
Bardet-Biedl syndrome (BBS). Identifiers: Orphanet 110, MedGen C0752166, MONDO:0015229.

Submissions (2):

Myriad Genetics, Inc.
Classification: Pathogenic for Bardet-Biedl syndrome 12. Last evaluated: 2026-01-28. Review status: criteria provided, single submitter. Criteria: Myriad Autosomal Dominant, Autosomal Recessive and X-Linked Classification Criteria (2023). Collection method: clinical testing. Allele origin: unknown.
Comment: NM_152618.2(BBS12):c.2092_2093delCA(Q698Dfs*26) is a readthrough frameshift variant classified as pathogenic in the context of Bardet-Biedl syndrome, BBS12-related. Q698Dfs*26 has not been observed in cases with relevant disease. Relevant functional assessments of this variant are not available in the literature. Q698Dfs*26 has not been observed in referenced population frequency databases. In summary, NM_152618.2(BBS12):c.2092_2093delCA(Q698Dfs*26) is a readthrough frameshift variant in a gene where loss of function is a known mechanism of disease and is predicted to disrupt protein function. Please note: this variant was assessed in the context of healthy population screening.

Labcorp Genetics (formerly Invitae), Labcorp
Classification: Pathogenic for Bardet-Biedl syndrome. Last evaluated: 2024-02-04. Review status: criteria provided, single submitter. Criteria: Invitae Variant Classification Sherloc (09022015). Collection method: clinical testing. Allele origin: germline.
Comment: This sequence change results in a frameshift in the BBS12 gene (p.Gln698Aspfs*26). While this is not anticipated to result in nonsense mediated decay, it is expected to disrupt the last 13 amino acid(s) of the BBS12 protein and extend the protein by 12 additional amino acid residues. This variant is not present in population databases (gnomAD no frequency). This variant has not been reported in the literature in individuals affected with BBS12-related conditions. Experimental studies and prediction algorithms are not available or were not evaluated, and the functional significance of this variant is currently unknown. This variant disrupts a region of the BBS12 protein in which other variant(s) (p.Ser701*) have been determined to be pathogenic (PMID: 20648243). This suggests that this is a clinically significant region of the protein, and that variants that disrupt it are likely to be disease-causing. For these reasons, this variant has been classified as Pathogenic.

Literature cited by the submitters: PubMed 20648243 (cited by Labcorp Genetics (formerly Invitae), Labcorp).